The following is an entry in ClinVar:

ClinVar aggregate classification (germline): Uncertain significance. Review status: criteria provided, multiple submitters, no conflicts (2 of 4 stars). 2 submissions from 2 submitters: Uncertain significance (2). Last evaluated 2023-10-31.

Submissions (2):

Women's Health and Genetics/Laboratory Corporation of America, LabCorp
Classification: Uncertain significance. Last evaluated: 2023-10-31. Review status: criteria provided, single submitter. Criteria: LabCorp Variant Classification Summary - May 2015. Collection method: clinical testing. Allele origin: germline.
Comment: Variant summary: KMT2B c.958T>A (p.Ser320Thr) results in a conservative amino acid change in the encoded protein sequence. Five of five in-silico tools predict a benign effect of the variant on protein function. The variant was absent in 246764 control chromosomes (gnomAD). The available data on variant occurrences in the general population are insufficient to allow any conclusion about variant significance. To our knowledge, no occurrence of c.958T>A in individuals affected with Dystonia and no experimental evidence demonstrating its impact on protein function have been reported. One submitter has cited a clinical-significance assessment for this variant to ClinVar after 2014 and has classified the variant as uncertain significance. Based on the evidence outlined above, the variant was classified as uncertain significance.

Labcorp Genetics (formerly Invitae), Labcorp
Classification: Uncertain significance. Last evaluated: 2022-10-17. Review status: criteria provided, single submitter. Criteria: Invitae Variant Classification Sherloc (09022015). Collection method: clinical testing. Allele origin: germline.
Comment: This variant is not present in population databases (gnomAD no frequency). This sequence change replaces serine, which is neutral and polar, with threonine, which is neutral and polar, at codon 320 of the KMT2B protein (p.Ser320Thr). This variant has not been reported in the literature in individuals affected with KMT2B-related conditions. Advanced modeling of protein sequence and biophysical properties (such as structural, functional, and spatial information, amino acid conservation, physicochemical variation, residue mobility, and thermodynamic stability) performed at Invitae indicates that this missense variant is not expected to disrupt KMT2B protein function. In summary, the available evidence is currently insufficient to determine the role of this variant in disease. Therefore, it has been classified as a Variant of Uncertain Significance.

NM_014727.3(KMT2B):c.958T>A (p.Ser320Thr)

Gene: KMT2B (lysine methyltransferase 2B; plus strand). Cytogenetic location: 19q13.12.
Variant type: single nucleotide variant.
Coding change: c.958T>A on transcript NM_014727.3 (MANE Select); coding-DNA position 958, T replaced by A.
Protein change: p.Ser320Thr; replaces serine 320 with threonine.
Molecular consequence: missense variant.
Genome position (GRCh38, 1-based): chr19:35,720,305, T>A. VCF-style: chr19-35720305-T-A. GRCh37 (hg19) VCF-style: chr19-36211207-T-A.
Other names: short protein forms S320T.
Identifiers: ClinVar variation 1896841 (VCV001896841.6), dbSNP rs2513313313, ClinGen allele CA405382862.
Genomic context (GRCh38, chr19:35,720,305, plus strand): 5'-GGGCTCCCCTTTGTGATCAAGTTTGTTTCAAGGGCCAAAAAAGTAAAGATGGGACAATTG[T>A]CCTTGGGACTCGAATCAGGTCAAGGTCAAGGTCAACATGAGGAAAGTTGGCAGGATGTCC-3'
Protein context (NP_055542.1, residues 310-330): RAKKVKMGQL[Ser320Thr]LGLESGQGQG